The following is an entry in ClinVar:

NM_004260.4(RECQL4):c.2476C>T (p.Arg826Ter)

Gene: RECQL4 (RecQ like helicase 4; minus strand). Cytogenetic location: 8q24.3.
Variant type: single nucleotide variant.
Coding change: c.2476C>T on transcript NM_004260.4 (MANE Select); coding-DNA position 2476, C replaced by T.
Protein change: p.Arg826Ter; replaces arginine 826 with a stop codon.
Molecular consequence: nonsense.
Genome position (GRCh38, 1-based): chr8:144,513,126, G>A on the plus strand (C>T on the coding strand, the complement: RECQL4 is on the minus strand). VCF-style: chr8-144513126-G-A. GRCh37 (hg19) VCF-style: chr8-145738509-G-A.
Other names: short protein forms R826*.
Identifiers: ClinVar variation 56406 (VCV000056406.39), dbSNP rs386833851, ClinGen allele CA144335.
Genomic context (GRCh38, chr8:144,513,126, plus strand): 5'-CCAGCCTCTTCACAGCCAGGAAGTCCGTGCTGTCGGCGTGCACATGTCTGCGCAGCTCTC[G>A]CAGGTCTTCGCCCTGCAGGGCAACTTTCATGAGGGTGGGGTGGACCACTGGGGGCTCGAG-3'

ClinVar aggregate classification (germline): Pathogenic. Review status: criteria provided, multiple submitters, no conflicts (2 of 4 stars). 7 submissions from 7 submitters: Pathogenic (6). 1 of the submissions does not count toward it. Last evaluated 2025-11-04.

Conditions:
Baller-Gerold syndrome (BGS). Also called: CRANIOSYNOSTOSIS WITH RADIAL DEFECTS. Identifiers: Orphanet 1225, MedGen C0265308, MONDO:0009039, OMIM 218600.
Rapadilino syndrome. Identifiers: Orphanet 3021, MedGen C1849453, MONDO:0009955, OMIM 266280.
Rothmund-Thomson syndrome type 2 (RTS2). Identifiers: Orphanet 221016, MedGen C5203410, MONDO:0016369, OMIM 268400.
RECQL4-related disorder. Also called: RECQL4-related disorders; RECQL4-related condition.
Hereditary cancer-predisposing syndrome. Also called: Hereditary Cancer Syndrome; Tumor predisposition; Neoplastic Syndromes, Hereditary; Hereditary neoplastic syndrome. Identifiers: Orphanet 140162, MedGen C0027672, MeSH D009386, MONDO:0015356.

Allele frequency attached by ClinVar (database versions not stated): TOPMed 0.00004; gnomAD 0.00005 and 0.00004; gnomAD exomes 0.00005 and 0.00004; ExAC 0.00008; ESP Exome Variant Server 0.00016.

Submissions (7):

Labcorp Genetics (formerly Invitae), Labcorp
Classification: Pathogenic for Baller-Gerold syndrome. Last evaluated: 2025-11-04. Review status: criteria provided, single submitter. Criteria: Invitae Variant Classification Sherloc (09022015). Collection method: clinical testing. Allele origin: germline.
Comment: This sequence change creates a premature translational stop signal (p.Arg826*) in the RECQL4 gene. It is expected to result in an absent or disrupted protein product. Loss-of-function variants in RECQL4 are known to be pathogenic (PMID: 12734318, 12952869). This variant is present in population databases (rs386833851, gnomAD 0.03%). This premature translational stop signal has been observed in individual(s) with Rothmund–Thomson syndrome (PMID: 12734318, 18716613). This variant is also known as g.3685G>A. ClinVar contains an entry for this variant (Variation ID: 56406). For these reasons, this variant has been classified as Pathogenic.

Blueprint Genetics
Classification: Pathogenic for RECQL4-related disorders. Last evaluated: 2024-11-21. Review status: criteria provided, single submitter. Criteria: ACMG Guidelines, 2015. Collection method: clinical testing. Allele origin: germline. Affected: yes. Observed: 5 variant alleles.

CeGaT Center for Human Genetics Tuebingen
Classification: Pathogenic. Last evaluated: 2024-01-01. Review status: criteria provided, single submitter. Criteria: CeGaT Center For Human Genetics Tuebingen Variant Classification Criteria Version 2. Collection method: clinical testing. Allele origin: germline. Affected: yes. Observed: 1 variant allele.
Comment: RECQL4: PVS1, PM3:Strong, PM2

Fulgent Genetics
Classification: Pathogenic for Baller-Gerold syndrome; Rapadilino syndrome; Rothmund-Thomson syndrome type 2. Last evaluated: 2021-11-29. Review status: criteria provided, single submitter. Criteria: ACMG Guidelines, 2015. Collection method: clinical testing. Allele origin: unknown.

Sema4
Classification: Pathogenic for Hereditary cancer-predisposing syndrome. Last evaluated: 2021-09-29. Review status: criteria provided, single submitter. Criteria: Sema4 Curation Guidelines. Collection method: curation. Allele origin: germline.
Comment: The RECQL4 c.2476C>T (p.R826X) variant has been reported as homozygous in at least one individual and as compound heterozygous in another individual with Rothmund-Thomson syndrome (PMID: 12734318). This nonsense variant creates a premature stop codon at residue 826 of the RECQL4 protein. At this location, this is predicted to cause nonsense-mediated decay and result in an absent protein (loss of function). Loss-of-function variants in RECQL4 are known to be pathogenic (PMID: 12734318, 12952869). This variant was observed in 2/6560 chromosomes in the Ashkenazi Jewish population according to the Genome Aggregation Database (PMID: 32461654). This variant has been reported in ClinVar (Variation ID: 56406). Based on the current evidence available, this variant is interpreted as pathogenic.

Eurofins Ntd Llc (ga)
Classification: Pathogenic. Last evaluated: 2017-02-03. Review status: criteria provided, single submitter. Criteria: EGL Classification Definitions. Collection method: clinical testing. Allele origin: germline. Observed: 3 variant alleles, 3 heterozygotes.

Juha Muilu Group; Institute for Molecular Medicine Finland (FIMM)
Classification: Likely pathogenic for Rapadilino syndrome. Review status: no assertion criteria provided. Collection method: not provided. Allele origin: unknown. Not counted in ClinVar's aggregate classification.
Comment: FinDis database variant: This variant was not found or characterized by our laboratory, data were collected from public sources: see reference
ClinVar note: Converted during submission from probable-pathogenic to Likely pathogenic.

Literature cited by the submitters: PubMed 12734318 (cited by Labcorp Genetics (formerly Invitae), Labcorp and Sema4); PubMed 12952869 (cited by Labcorp Genetics (formerly Invitae), Labcorp and Sema4); PubMed 18716613 (cited by Labcorp Genetics (formerly Invitae), Labcorp).